The following is an entry in ClinVar:

NM_002386.4(MC1R):c.837C>A (p.Asn279Lys)

Gene: MC1R (melanocortin 1 receptor; plus strand). Cytogenetic location: 16q24.3.
Variant type: single nucleotide variant.
Coding change: c.837C>A on transcript NM_002386.4 (MANE Select); coding-DNA position 837, C replaced by A.
Protein change: p.Asn279Lys; replaces asparagine 279 with lysine.
Molecular consequence: missense variant.
Genome position (GRCh38, 1-based): chr16:89,920,095, C>A. VCF-style: chr16-89920095-C-A. GRCh37 (hg19) VCF-style: chr16-89986503-C-A.
Other names: short protein forms N279K.
Identifiers: ClinVar variation 970828 (VCV000970828.9), dbSNP rs202197434, ClinGen allele CA8255772.

ClinVar aggregate classification (germline): Uncertain significance. Review status: criteria provided, multiple submitters, no conflicts (2 of 4 stars). 2 submissions from 2 submitters: Uncertain significance (2). Last evaluated 2026-01-07.

Conditions:
Melanoma, cutaneous malignant, susceptibility to, 5. Also called: Cutaneous malignant melanoma 5. Identifiers: Orphanet 618, MedGen C2751295, MONDO:0013133, OMIM 613099.

Allele frequency attached by ClinVar (database versions not stated): ExAC 0.00009; gnomAD exomes 0.00009 and 0.00020; gnomAD 0.00012 and 0.00014; TOPMed 0.00013; ESP Exome Variant Server 0.00016.

Submissions (2):

Labcorp Genetics (formerly Invitae), Labcorp
Classification: Uncertain significance for Melanoma, cutaneous malignant, susceptibility to, 5. Last evaluated: 2026-01-07. Review status: criteria provided, single submitter. Criteria: Invitae Variant Classification Sherloc (09022015). Collection method: clinical testing. Allele origin: germline.
Comment: This sequence change replaces asparagine, which is neutral and polar, with lysine, which is basic and polar, at codon 279 of the MC1R protein (p.Asn279Lys). This variant is present in population databases (rs202197434, gnomAD 0.02%). This missense change has been observed in individual(s) with cutaneous melanoma (PMID: 16567973, 16982779, 23360207, 24335900). ClinVar contains an entry for this variant (Variation ID: 970828). Invitae Evidence Modeling of protein sequence and biophysical properties (such as structural, functional, and spatial information, amino acid conservation, physicochemical variation, residue mobility, and thermodynamic stability) indicates that this missense variant is not expected to disrupt MC1R protein function with a negative predictive value of 80%. In summary, the available evidence is currently insufficient to determine the role of this variant in disease. Therefore, it has been classified as a Variant of Uncertain Significance.

Blueprint Genetics
Classification: Uncertain significance. Last evaluated: 2024-06-12. Review status: criteria provided, single submitter. Criteria: ACMG Guidelines, 2015. Collection method: clinical testing. Allele origin: germline.

Literature cited by the submitters: PubMed 16567973 (cited by Labcorp Genetics (formerly Invitae), Labcorp); PubMed 16982779 (cited by Labcorp Genetics (formerly Invitae), Labcorp); PubMed 23360207 (cited by Labcorp Genetics (formerly Invitae), Labcorp); PubMed 24335900 (cited by Labcorp Genetics (formerly Invitae), Labcorp).